The following is an entry in ClinVar:

ClinVar aggregate classification (germline): Uncertain significance (1 of 4 stars; one submission).

gnomAD v4.1: 25 of 1,614,030 alleles (0.0015%); highest among the groups gnomAD compares: South Asian, 0.0022%; no homozygotes.

Submission:

Labcorp Genetics (formerly Invitae), Labcorp
Classification: Uncertain significance. Last evaluated: 2026-01-14. Review status: criteria provided, single submitter. Criteria: Invitae Variant Classification Sherloc (09022015). Collection method: clinical testing. Allele origin: germline.
Comment: This sequence change replaces threonine, which is neutral and polar, with methionine, which is neutral and non-polar, at codon 426 of the ZMYND11 protein (p.Thr426Met). This variant is present in population databases (no rsID available, gnomAD 0.002%). This variant has not been reported in the literature in individuals affected with ZMYND11-related conditions. ClinVar contains an entry for this variant (Variation ID: 3702286). Invitae Evidence Modeling of protein sequence and biophysical properties (such as structural, functional, and spatial information, amino acid conservation, physicochemical variation, residue mobility, and thermodynamic stability) indicates that this missense variant is not expected to disrupt ZMYND11 protein function with a negative predictive value of 80%. In summary, the available evidence is currently insufficient to determine the role of this variant in disease. Therefore, it has been classified as a Variant of Uncertain Significance.

NM_001370100.5(ZMYND11):c.1277C>T (p.Thr426Met)

Genes: ZMYND11 (zinc finger MYND-type containing 11; plus strand), LOC126860802 (BRD4-independent group 4 enhancer GRCh37_chr10:294268-295467; plus strand). Cytogenetic location: 10p15.3.
Variant type: single nucleotide variant.
Coding change: c.1277C>T on transcript NM_001370100.5 (MANE Select); coding-DNA position 1277, C replaced by T.
Protein change: p.Thr426Met; replaces threonine 426 with methionine.
Molecular consequence: missense variant. On other transcripts: non-coding transcript variant (1).
Genome position (GRCh38, 1-based): chr10:248,385, C>T. VCF-style: chr10-248385-C-T. GRCh37 (hg19) VCF-style: chr10-294325-C-T.
Other names: c.1226C>T, p.Thr409Met (NM_001370112.2, NM_001330057.3); c.1184C>T, p.Thr395Met (NM_001370113.2, NM_001370114.2); c.1274C>T, p.Thr425Met (NM_001370115.2, NM_212479.4); c.1211C>T, p.Thr404Met (NM_001370116.2); c.1208C>T, p.Thr403Met (NM_001370117.2); c.1157C>T, p.Thr386Met (NM_001370118.2); c.1130C>T, p.Thr377Met (NM_001370119.2); c.1049C>T, p.Thr350Met (NM_001370120.2); and 8 more; short protein forms T404M, T307M, T386M, T395M, T403M, T425M, T269M, T332M.
Identifiers: ClinVar variation 3702286 (VCV003702286.2).